The following is an entry in ClinVar:

ClinVar aggregate classification (germline): Uncertain significance (1 of 4 stars; one submission).

Conditions:
Ehlers-Danlos syndrome, kyphoscoliotic type 1 (EDSKSCL1). Also called: EHLERS-DANLOS SYNDROME, TYPE VIA; Ehlers-Danlos syndrome, hydroxylysine-deficient; EHLERS-DANLOS SYNDROME, OCULAR-SCOLIOTIC TYPE; PLOD1-Related Kyphoscoliotic Ehlers-Danlos Syndrome. Identifiers: Orphanet 1900, MedGen C0268342, MONDO:0016002, OMIM 225400. Disease mechanism: loss of function.

Submission:

Labcorp Genetics (formerly Invitae), Labcorp
Classification: Uncertain significance for Ehlers-Danlos syndrome, kyphoscoliotic type 1. Last evaluated: 2022-05-13. Review status: criteria provided, single submitter. Criteria: Invitae Variant Classification Sherloc (09022015). Collection method: clinical testing. Allele origin: germline.
Comment: This sequence change replaces leucine, which is neutral and non-polar, with valine, which is neutral and non-polar, at codon 581 of the PLOD1 protein (p.Leu581Val). This variant is present in population databases (no rsID available, gnomAD 0.0009%). This variant has not been reported in the literature in individuals affected with PLOD1-related conditions. Algorithms developed to predict the effect of missense changes on protein structure and function output the following: SIFT: "Tolerated"; PolyPhen-2: "Benign"; Align-GVGD: "Class C0". The valine amino acid residue is found in multiple mammalian species, which suggests that this missense change does not adversely affect protein function. In summary, the available evidence is currently insufficient to determine the role of this variant in disease. Therefore, it has been classified as a Variant of Uncertain Significance.

NM_000302.4(PLOD1):c.1741C>G (p.Leu581Val)

Gene: PLOD1 (procollagen-lysine,2-oxoglutarate 5-dioxygenase 1; plus strand). Cytogenetic location: 1p36.22.
Variant type: single nucleotide variant.
Coding change: c.1741C>G on transcript NM_000302.4 (MANE Select); coding-DNA position 1741, C replaced by G.
Protein change: p.Leu581Val; replaces leucine 581 with valine.
Molecular consequence: missense variant.
Genome position (GRCh38, 1-based): chr1:11,967,077, C>G. VCF-style: chr1-11967077-C-G. GRCh37 (hg19) VCF-style: chr1-12027134-C-G.
Other names: c.1882C>G, p.Leu628Val (NM_001316320.2); short protein forms L581V, L628V.
Identifiers: ClinVar variation 1994057 (VCV001994057.4), dbSNP rs759328881, ClinGen allele CA338447773.